The following is an entry in ClinVar:

NM_001303457.2(TTI1):c.1395A>G (p.Thr465=)

Gene: TTI1 (TELO2 interacting protein 1; minus strand). Cytogenetic location: 20q11.23.
Variant type: single nucleotide variant.
Coding change: c.1395A>G on transcript NM_001303457.2 (MANE Select); coding-DNA position 1395, A replaced by G.
Protein change: p.Thr465=; no amino-acid change (threonine 465 retained).
Molecular consequence: synonymous variant.
Genome position (GRCh38, 1-based): chr20:38,012,422, T>C on the plus strand (A>G on the coding strand, the complement: TTI1 is on the minus strand). VCF-style: chr20-38012422-T-C. GRCh37 (hg19) VCF-style: chr20-36640824-T-C.
Other names: c.1395A>G, p.Thr465= (NM_014657.3).
Identifiers: ClinVar variation 4281041 (VCV004281041.7).

ClinVar aggregate classification (germline): Likely benign (1 of 4 stars; one submission).

gnomAD v4.1: 13 of 1,614,136 alleles (0.00081%); highest among the groups gnomAD compares: Non-Finnish European, 0.0011%; no homozygotes.

Submission:

CeGaT Center for Human Genetics Tuebingen
Classification: Likely benign. Last evaluated: 2025-09-01. Review status: criteria provided, single submitter. Criteria: CeGaT Center For Human Genetics Tuebingen Variant Classification Criteria Version 2. Collection method: clinical testing. Allele origin: germline. Affected: yes. Observed: 1 variant allele.
Comment: TTI1: BP4, BP7